The following is an entry in ClinVar:

ClinVar aggregate classification (germline): Uncertain significance (1 of 4 stars; one submission).

Conditions:
Multiple congenital anomalies-hypotonia-seizures syndrome 1 (MCAHS1). Also called: GLYCOSYLPHOSPHATIDYLINOSITOL BIOSYNTHESIS DEFECT 3; PIGN-CDG; Congenital disorder of glycosylation due to PIGN deficiency. Identifiers: Orphanet 280633, MedGen C3279775, MONDO:0013563, OMIM 614080.

Allele frequency attached by ClinVar (database versions not stated): gnomAD exomes below 0.00001.
gnomAD v4.1: 2 of 1,610,996 alleles (0.00012%); highest among the groups gnomAD compares: Non-Finnish European, 0.000085%; no homozygotes.

Submission:

Labcorp Genetics (formerly Invitae), Labcorp
Classification: Uncertain significance for Multiple congenital anomalies-hypotonia-seizures syndrome 1. Last evaluated: 2022-06-20. Review status: criteria provided, single submitter. Criteria: Invitae Variant Classification Sherloc (09022015). Collection method: clinical testing. Allele origin: germline.
Comment: Algorithms developed to predict the effect of missense changes on protein structure and function are either unavailable or do not agree on the potential impact of this missense change (SIFT: "Not Available"; PolyPhen-2: "Probably Damaging"; Align-GVGD: "Not Available"). In summary, the available evidence is currently insufficient to determine the role of this variant in disease. Therefore, it has been classified as a Variant of Uncertain Significance. This variant has not been reported in the literature in individuals affected with PIGN-related conditions. This variant is not present in population databases (gnomAD no frequency). This sequence change replaces leucine, which is neutral and non-polar, with tryptophan, which is neutral and slightly polar, at codon 739 of the PIGN protein (p.Leu739Trp).

NM_176787.5(PIGN):c.2216T>G (p.Leu739Trp)

Gene: PIGN (phosphatidylinositol glycan anchor biosynthesis class N; minus strand). Cytogenetic location: 18q21.33.
Variant type: single nucleotide variant.
Coding change: c.2216T>G on transcript NM_176787.5 (MANE Select); coding-DNA position 2216, T replaced by G.
Protein change: p.Leu739Trp; replaces leucine 739 with tryptophan.
Molecular consequence: missense variant.
Genome position (GRCh38, 1-based): chr18:62,090,543, A>C on the plus strand (T>G on the coding strand, the complement: PIGN is on the minus strand). VCF-style: chr18-62090543-A-C. GRCh37 (hg19) VCF-style: chr18-59757776-A-C.
Other names: c.2216T>G, p.Leu739Trp (NM_012327.6); short protein forms L739W.
Identifiers: ClinVar variation 1351667 (VCV001351667.8), dbSNP rs2146088249, ClinGen allele CA402602506.
Genomic context (GRCh38, chr18:62,090,543, plus strand): 5'-TTACAGCAAACACCAGATTGTTGTAGAGTTTCTTGTTCTATGTTTATCCAGACAAACATC[A>C]AACAAGACAACACTAGTGGAAAGAGAGCTTCATACCTAACAGGTGGGGAAAGGTAGAAAT-3'
Protein context (NP_789744.1, residues 729-749): EALFPLVLSC[Leu739Trp]MFVWINIEQE